The following is an entry in ClinVar:

NM_001352514.2(HLCS):c.1978_1979del (p.Trp660fs)

Gene: HLCS (holocarboxylase synthetase; minus strand). Cytogenetic location: 21q22.13.
Variant type: Microsatellite.
Coding change: c.1978_1979del on transcript NM_001352514.2 (MANE Select); coding-DNA positions 1978 to 1979, 2 bases deleted (TG; older notation c.1978_1979delTG).
Protein change: p.Trp660fs; shifts the reading frame from tryptophan 660.
Molecular consequence: frameshift variant. On other transcripts: non-coding transcript variant (2).
Genome position (GRCh38, 1-based): chr21:36,765,154-36,765,155, CA deleted on the plus strand (TG on the coding strand, the reverse complement: HLCS is on the minus strand); deleting any 2 consecutive bases within chr21:36,765,154-36,765,159 gives the same sequence; the c. name uses the placement nearest the transcript's 3' end. VCF-style (leftmost placement, unchanged base first): chr21-36765153-CCA-C. GRCh37 (hg19) VCF-style: chr21-38137454-CCA-C.
Other names: c.1537_1538del, p.Trp513fs (NM_000411.8, NM_001242784.3, NM_001242785.2 and 4 more transcripts); short protein forms W513fs, W660fs.
Identifiers: ClinVar variation 5014997 (VCV005014997.1).

ClinVar aggregate classification (germline): Pathogenic (1 of 4 stars; one submission).

Conditions:
Holocarboxylase synthetase deficiency. Also called: MULTIPLE CARBOXYLASE DEFICIENCY, EARLY ONSET. Identifiers: Orphanet 79242, MedGen C0268581, MONDO:0009666, OMIM 253270.

Submission:

Myriad Genetics, Inc.
Classification: Pathogenic for Holocarboxylase synthetase deficiency. Last evaluated: 2025-09-18. Review status: criteria provided, single submitter. Criteria: Myriad Autosomal Dominant, Autosomal Recessive and X-Linked Classification Criteria (2023). Collection method: clinical testing. Allele origin: unknown.
Comment: NM_000411.6(HLCS):c.1537_1538delTG(W513Afs*63) is expected to be pathogenic in the context of holocarboxylase synthetase deficiency. This variant is predicted to lead to an abnormal or absent protein product due to the creation of a premature termination codon in HLCS, a gene where loss-of-function variants are known to be pathogenic. Please note: this variant was assessed in the context of healthy population screening.